The following is an entry in ClinVar:

NM_000051.4(ATM):c.471T>A (p.Cys157Ter)

Gene: ATM (ATM serine/threonine kinase; plus strand). Cytogenetic location: 11q22.3.
Variant type: single nucleotide variant.
Coding change: c.471T>A on transcript NM_000051.4 (MANE Select); coding-DNA position 471, T replaced by A.
Protein change: p.Cys157Ter; replaces cysteine 157 with a stop codon.
Molecular consequence: nonsense.
Genome position (GRCh38, 1-based): chr11:108,235,809, T>A. VCF-style: chr11-108235809-T-A. GRCh37 (hg19) VCF-style: chr11-108106536-T-A.
Other names: c.471T>A, p.Cys157Ter (NM_001351834.2); short protein forms C157*.
Identifiers: ClinVar variation 490578 (VCV000490578.6), dbSNP rs1555059459, ClinGen allele CA382525531.

ClinVar aggregate classification (germline): Pathogenic/Likely pathogenic. Review status: criteria provided, multiple submitters, no conflicts (2 of 4 stars). 2 submissions from 2 submitters: Pathogenic (1); Likely pathogenic (1). Last evaluated 2024-06-05.

Conditions:
Hereditary cancer-predisposing syndrome. Also called: Tumor predisposition; Neoplastic Syndromes, Hereditary; Hereditary Cancer Syndrome; Hereditary neoplastic syndrome. Identifiers: Orphanet 140162, MedGen C0027672, MeSH D009386, MONDO:0015356.
Ataxia-telangiectasia syndrome (AT). Also called: Ataxia-telangiectasia; Ataxia-telangiectasia, complementation group D; AT, COMPLEMENTATION GROUP C; LOUIS-BAR SYNDROME; Cerebello-oculocutaneous telangiectasia; Immunodeficiency with ataxia telangiectasia. Identifiers: Orphanet 100, MedGen C0004135, MONDO:0008840, OMIM 208900.
Familial cancer of breast. Also called: BREAST CANCER, FAMILIAL; hereditary breast carcinoma; Hereditary breast cancer. Identifiers: Orphanet 227535, MedGen C0346153, MONDO:0016419, OMIM 114480. Disease mechanism: loss of function.

Submissions (2):

Fulgent Genetics
Classification: Likely pathogenic for Familial cancer of breast; Ataxia-telangiectasia syndrome. Last evaluated: 2024-06-05. Review status: criteria provided, single submitter. Criteria: ACMG Guidelines, 2015. Collection method: clinical testing. Allele origin: germline.

Color Diagnostics, LLC DBA Color Health
Classification: Pathogenic for Hereditary cancer-predisposing syndrome. Last evaluated: 2020-03-16. Review status: criteria provided, single submitter. Criteria: ACMG Guidelines, 2015. Collection method: clinical testing. Allele origin: germline.
Comment: This variant changes 1 nucleotide in exon 5 of the ATM gene, creating a premature translation stop signal. This variant is expected to result in an absent or non-functional protein product. To our knowledge, this variant has not been reported in individuals affected with hereditary cancer in the literature. This variant has not been identified in the general population by the Genome Aggregation Database (gnomAD). Loss of ATM function is a known mechanism of disease. Based on the available evidence, this variant is classified as Pathogenic.